The following is an entry in ClinVar:

NM_004259.7(RECQL5):c.1586-6_1586-5insACA

Gene: RECQL5 (RecQ like helicase 5; minus strand). Cytogenetic location: 17q25.1.
Variant type: Insertion.
Coding change: c.1586-6_1586-5insACA on transcript NM_004259.7 (MANE Select); 6 bases into the intron before coding-DNA position 1586 through 5 bases into the intron before coding-DNA position 1586, ACA inserted.
Molecular consequence: intron variant.
Genome position: GRCh38 VCF-style: chr17-75630842-G-GTGT. GRCh37 (hg19) VCF-style: chr17-73626922-G-GTGT.
Identifiers: ClinVar variation 403370 (VCV000403370.6), dbSNP rs56158987, ClinGen allele CA8767375.

ClinVar aggregate classification (germline): Benign. Review status: criteria provided, single submitter (1 of 4 stars). 2 submissions from 2 submitters: Benign (1). 1 of the submissions does not count toward it. Last evaluated 2016-03-29.

Conditions:
RECQL5-related disorder. Also called: RECQL5-related condition.

Submissions (2):

Laboratory for Molecular Medicine, Mass General Brigham Personalized Medicine
Classification: Benign. Last evaluated: 2016-03-29. Review status: criteria provided, single submitter. Criteria: LMM Criteria. Collection method: clinical testing. Allele origin: germline.
Comment: Variant identified in a genome or exome case(s) and assessed due to predicted null impact of the variant or pathogenic assertions in the literature or databases. Disclaimer: This variant has not undergone full assessment. The following are preliminary notes: Frequency

PreventionGenetics, part of Exact Sciences
Classification: Benign for RECQL5-related condition. Last evaluated: 2019-11-04. Review status: no assertion criteria provided. Collection method: clinical testing. Allele origin: germline. Not counted in ClinVar's aggregate classification.
Comment: This variant is classified as benign based on ACMG/AMP sequence variant interpretation guidelines (Richards et al. 2015 PMID: 25741868, with internal and published modifications).